The following is an entry in ClinVar:

ClinVar aggregate classification (germline): Uncertain significance. Review status: criteria provided, multiple submitters, no conflicts (2 of 4 stars). 2 submissions from 2 submitters: Uncertain significance (2). Last evaluated 2026-01-21.

Conditions:
IKZF1-related disorder. Also called: IKZF1-related condition.

Allele frequency attached by ClinVar (database versions not stated): ExAC 0.00002; gnomAD exomes 0.00002; TOPMed below 0.00001.
gnomAD v4.1: 31 of 1,613,662 alleles (0.0019%); highest among the groups gnomAD compares: Admixed American, 0.0033%; no homozygotes.

Submissions (2):

Labcorp Genetics (formerly Invitae), Labcorp
Classification: Uncertain significance. Last evaluated: 2026-01-21. Review status: criteria provided, single submitter. Criteria: Invitae Variant Classification Sherloc (09022015). Collection method: clinical testing. Allele origin: germline.
Comment: This sequence change replaces proline, which is neutral and non-polar, with leucine, which is neutral and non-polar, at codon 32 of the IKZF1 protein (p.Pro32Leu). This variant is present in population databases (rs775793261, gnomAD 0.02%). This variant has not been reported in the literature in individuals affected with IKZF1-related conditions. ClinVar contains an entry for this variant (Variation ID: 1974347). An algorithm developed to predict the effect of missense changes on protein structure and function (PolyPhen-2) suggests that this variant is likely to be disruptive. In summary, the available evidence is currently insufficient to determine the role of this variant in disease. Therefore, it has been classified as a Variant of Uncertain Significance.

PreventionGenetics, part of Exact Sciences
Classification: Uncertain significance for IKZF1-related condition. Last evaluated: 2023-05-01. Review status: criteria provided, single submitter. Criteria: ACMG Guidelines, 2015. Collection method: clinical testing. Allele origin: germline.
Comment: The IKZF1 c.95C>T variant is predicted to result in the amino acid substitution p.Pro32Leu. To our knowledge, this variant has not been reported in the literature. This variant is reported in 0.020% of alleles in individuals of Ashkenazi Jewish descent in gnomAD. At this time, the clinical significance of this variant is uncertain due to the absence of conclusive functional and genetic evidence.

NM_006060.6(IKZF1):c.95C>T (p.Pro32Leu)

Gene: IKZF1 (IKAROS family zinc finger 1; plus strand). Cytogenetic location: 7p12.2.
Variant type: single nucleotide variant.
Coding change: c.95C>T on transcript NM_006060.6 (MANE Select); coding-DNA position 95, C replaced by T.
Protein change: p.Pro32Leu; replaces proline 32 with leucine.
Molecular consequence: missense variant.
Genome position (GRCh38, 1-based): chr7:50,327,692, C>T. VCF-style: chr7-50327692-C-T. GRCh37 (hg19) VCF-style: chr7-50367288-C-T.
Other names: c.95C>T, p.Pro32Leu (NM_001220765.3, NM_001291843.1, NM_001291844.1 and 14 more transcripts); short protein forms P32L.
Identifiers: ClinVar variation 1974347 (VCV001974347.6), dbSNP rs775793261, ClinGen allele CA4261204.